The following is an entry in ClinVar:

NM_015272.5(RPGRIP1L):c.2360G>A (p.Gly787Asp)

Gene: RPGRIP1L (RPGRIP1 like; minus strand). Cytogenetic location: 16q12.2.
Variant type: single nucleotide variant.
Coding change: c.2360G>A on transcript NM_015272.5 (MANE Select); coding-DNA position 2360, G replaced by A.
Protein change: p.Gly787Asp; replaces glycine 787 with aspartic acid.
Molecular consequence: missense variant.
Genome position (GRCh38, 1-based): chr16:53,645,948, C>T on the plus strand (G>A on the coding strand, the complement: RPGRIP1L is on the minus strand). VCF-style: chr16-53645948-C-T. GRCh37 (hg19) VCF-style: chr16-53679860-C-T.
Other names: c.2360G>A, p.Gly787Asp (NM_001127897.4, NM_001308334.3, NM_001330538.2); short protein forms G787D.
Identifiers: ClinVar variation 2170935 (VCV002170935.1), dbSNP rs996587890, ClinGen allele CA395914786.
Genomic context (GRCh38, chr16:53,645,948, plus strand): 5'-CTTGCTCGGGACTGCAGGTGGTTGCAACATCTTATTGTAATGTGAAGTTCATTTAAGTTG[C>T]CATCTGTGGAATCTGTAGAACTGAGTTGAGCAGTTTTGGGTGCTTGCTGACTTAACTGGA-3'
Protein context (NP_056087.2, residues 777-797): AQLSSTDSTD[Gly787Asp]NLNELHITIR

ClinVar aggregate classification (germline): Uncertain significance (1 of 4 stars; one submission).

Conditions:
Joubert syndrome. Also called: CEREBELLOPARENCHYMAL DISORDER IV; JOUBERT-BOLTSHAUSER SYNDROME; Familial aplasia of the vermis. Identifiers: Orphanet 475, MedGen C5979921, MONDO:0018772.
Meckel-Gruber syndrome. Also called: DYSENCEPHALIA SPLANCHNOCYSTICA; GRUBER SYNDROME; Dysencephalia splachnocystica. Identifiers: Orphanet 564, MedGen C0265215, MONDO:0018921.

Allele frequency attached by ClinVar (database versions not stated): gnomAD exomes below 0.00001; TOPMed 0.00001.
gnomAD v4.1: 3 of 1,614,042 alleles (0.00019%); highest among the groups gnomAD compares: South Asian, 0.0011%; no homozygotes.

Submission:

Labcorp Genetics (formerly Invitae), Labcorp
Classification: Uncertain significance for Joubert syndrome; Meckel-Gruber syndrome. Last evaluated: 2022-07-18. Review status: criteria provided, single submitter. Criteria: Invitae Variant Classification Sherloc (09022015). Collection method: clinical testing. Allele origin: germline.
Comment: This sequence change replaces glycine, which is neutral and non-polar, with aspartic acid, which is acidic and polar, at codon 787 of the RPGRIP1L protein (p.Gly787Asp). This variant is not present in population databases (gnomAD no frequency). This variant has not been reported in the literature in individuals affected with RPGRIP1L-related conditions. Algorithms developed to predict the effect of missense changes on protein structure and function output the following: SIFT: "Tolerated"; PolyPhen-2: "Benign"; Align-GVGD: "Class C0". The aspartic acid amino acid residue is found in multiple mammalian species, which suggests that this missense change does not adversely affect protein function. In summary, the available evidence is currently insufficient to determine the role of this variant in disease. Therefore, it has been classified as a Variant of Uncertain Significance.